The following is an entry in ClinVar:

NM_004304.5(ALK):c.4151A>C (p.Glu1384Ala)

Gene: ALK (ALK receptor tyrosine kinase; minus strand). Cytogenetic location: 2p23.2.
Variant type: single nucleotide variant.
Coding change: c.4151A>C on transcript NM_004304.5 (MANE Select); coding-DNA position 4151, A replaced by C.
Protein change: p.Glu1384Ala; replaces glutamic acid 1384 with alanine.
Molecular consequence: missense variant.
Genome position (GRCh38, 1-based): chr2:29,196,783, T>G on the plus strand (A>C on the coding strand, the complement: ALK is on the minus strand). VCF-style: chr2-29196783-T-G. GRCh37 (hg19) VCF-style: chr2-29419649-T-G.
Other names: c.947A>C, p.Glu316Ala (NM_001353765.2); short protein forms E1384A, E316A.
Identifiers: ClinVar variation 3722593 (VCV003722593.2).
Genomic context (GRCh38, chr2:29,196,783, plus strand): 5'-CTGTTTCATATAGAGTAAATGTTGACCAAAGGGAGAAAATGTTTTACCTGGGTGCAGTAT[T>G]CAATCCTCTCCAAAATGATGGCAAAGTTGGGCCTGTCTTCAGGCTGATGTTGCCAGCACT-3'
Protein context (NP_004295.2, residues 1374-1394): PNFAIILERI[Glu1384Ala]YCTQDPDVIN

ClinVar aggregate classification (germline): Uncertain significance (1 of 4 stars; one submission).

Conditions:
Neuroblastoma, susceptibility to, 3. Also called: ALK-Related Neuroblastic Tumor Susceptibility. Identifiers: Orphanet 635, MedGen C2751681, MONDO:0013083, OMIM 613014.

Submission:

Labcorp Genetics (formerly Invitae), Labcorp
Classification: Uncertain significance for Neuroblastoma, susceptibility to, 3. Last evaluated: 2024-10-21. Review status: criteria provided, single submitter. Criteria: Invitae Variant Classification Sherloc (09022015). Collection method: clinical testing. Allele origin: germline.
Comment: This sequence change replaces glutamic acid, which is acidic and polar, with alanine, which is neutral and non-polar, at codon 1384 of the ALK protein (p.Glu1384Ala). This variant is not present in population databases (gnomAD no frequency). This variant has not been reported in the literature in individuals affected with ALK-related conditions. An algorithm developed to predict the effect of missense changes on protein structure and function (PolyPhen-2) suggests that this variant is likely to be tolerated. In summary, the available evidence is currently insufficient to determine the role of this variant in disease. Therefore, it has been classified as a Variant of Uncertain Significance.